The following is an entry in ClinVar:

NM_004006.3(DMD):c.7309+5G>A

Gene: DMD (dystrophin; minus strand). Cytogenetic location: Xp21.1.
Variant type: single nucleotide variant.
Coding change: c.7309+5G>A on transcript NM_004006.3 (MANE Select); 5 bases into the intron after coding-DNA position 7309, G replaced by A.
Molecular consequence: intron variant.
Genome position (GRCh38, 1-based): chrX:31,819,970, C>T on the plus strand (G>A on the coding strand, the complement: DMD is on the minus strand). VCF-style: chrX-31819970-C-T. GRCh37 (hg19) VCF-style: chrX-31838087-C-T.
Other names: c.7285+5G>A (NM_000109.4); c.3286+5G>A (NM_004011.4); c.3277+5G>A (NM_004012.4); c.-72+5G>A (NM_004023.3, NM_004020.4, NM_004022.3 and 2 more transcripts); c.7297+5G>A (NM_004009.3); c.6940+5G>A (NM_004010.3).
Identifiers: ClinVar variation 2688983 (VCV002688983.5), dbSNP rs2531580325, ClinGen allele CA2695233102.

ClinVar aggregate classification (germline): Conflicting classifications of pathogenicity. Review status: criteria provided, conflicting classifications (1 of 4 stars). 2 submissions from 2 submitters: Pathogenic (1); Uncertain significance (1). Last evaluated 2023-11-22.

Conditions:
Duchenne muscular dystrophy (DMD). Also called: MUSCULAR DYSTROPHY, PSEUDOHYPERTROPHIC PROGRESSIVE, DUCHENNE TYPE; Duchenne Muscular Dystrophy (DMD). Identifiers: Orphanet 98896, MedGen C0013264, MONDO:0010679, OMIM 310200.

Submissions (2):

Revvity Omics, Revvity
Classification: Pathogenic. Last evaluated: 2023-11-22. Review status: criteria provided, single submitter. Criteria: ACMG Guidelines, 2015. Collection method: clinical testing. Allele origin: germline.

Labcorp Genetics (formerly Invitae), Labcorp
Classification: Uncertain significance for Duchenne muscular dystrophy. Last evaluated: 2023-07-19. Review status: criteria provided, single submitter. Criteria: Invitae Variant Classification Sherloc (09022015). Collection method: clinical testing. Allele origin: germline.
Comment: In summary, the available evidence is currently insufficient to determine the role of this variant in disease. Therefore, it has been classified as a Variant of Uncertain Significance. Variants that disrupt the consensus splice site are a relatively common cause of aberrant splicing (PMID: 17576681, 9536098). Algorithms developed to predict the effect of sequence changes on RNA splicing suggest that this variant may disrupt the consensus splice site. This variant has been observed in individuals with Duchenne muscular dystrophy (PMID: 25244321; Invitae). This variant is not present in population databases (gnomAD no frequency). This sequence change falls in intron 50 of the DMD gene. It does not directly change the encoded amino acid sequence of the DMD protein. It affects a nucleotide within the consensus splice site.

Literature cited by the submitters: PubMed 17576681 (cited by Labcorp Genetics (formerly Invitae), Labcorp); PubMed 9536098 (cited by Labcorp Genetics (formerly Invitae), Labcorp); PubMed 25244321 (cited by Labcorp Genetics (formerly Invitae), Labcorp).